The following is an entry in ClinVar:

ClinVar aggregate classification (germline): Uncertain significance. Review status: criteria provided, multiple submitters, no conflicts (2 of 4 stars). 3 submissions from 3 submitters: Uncertain significance (3). Last evaluated 2026-06-29.

Conditions:
Congenital disorder of glycosylation type Ir (CDG1R). Also called: DDOST-congenital disorder of glycosylation. Identifiers: Orphanet 300536, MedGen C3281084, MONDO:0013789, OMIM 614507.

Allele frequency attached by ClinVar (database versions not stated): ExAC 0.00003; TOPMed 0.00003.
gnomAD v4.1: 26 of 1,613,996 alleles (0.0016%); highest among the groups gnomAD compares: Admixed American, 0.01%; no homozygotes.

Submissions (3):

Women's Health and Genetics/Laboratory Corporation of America, LabCorp
Classification: Uncertain significance. Last evaluated: 2026-06-29. Review status: criteria provided, single submitter. Criteria: LabCorp Variant Classification Summary - May 2015. Collection method: clinical testing. Allele origin: germline.
Comment: Variant summary: DDOST c.839G>A (p.Arg280His) results in a non-conservative amino acid change in the encoded protein sequence. Algorithms developed to predict the effect of missense changes on protein structure and function are either unavailable or do not agree on the potential impact of this missense change. The variant allele was found at a frequency of 4e-05 in 251002 control chromosomes. This frequency is not significantly higher than estimated for disease-causing variants in DDOST, allowing no conclusion about variant significance. To our knowledge, no occurrence of c.839G>A in individuals affected with DDOST-related conditions and no experimental evidence demonstrating its impact on protein function have been reported. ClinVar contains an entry for this variant (Variation ID: 2410680). Based on the evidence outlined above, the variant was classified as uncertain significance.

Ambry Genetics
Classification: Uncertain significance. Last evaluated: 2025-11-26. Review status: criteria provided, single submitter. Criteria: Ambry Variant Classification Scheme 2023. Collection method: clinical testing. Allele origin: germline.

Labcorp Genetics (formerly Invitae), Labcorp
Classification: Uncertain significance for Congenital disorder of glycosylation type Ir. Last evaluated: 2023-10-14. Review status: criteria provided, single submitter. Criteria: Invitae Variant Classification Sherloc (09022015). Collection method: clinical testing. Allele origin: germline.
Comment: This sequence change replaces arginine, which is basic and polar, with histidine, which is basic and polar, at codon 297 of the DDOST protein (p.Arg297His). This variant is present in population databases (rs754561384, gnomAD 0.02%). This variant has not been reported in the literature in individuals affected with DDOST-related conditions. ClinVar contains an entry for this variant (Variation ID: 2410680). An algorithm developed to predict the effect of missense changes on protein structure and function (PolyPhen-2) suggests that this variant is likely to be tolerated. In summary, the available evidence is currently insufficient to determine the role of this variant in disease. Therefore, it has been classified as a Variant of Uncertain Significance.

NM_005216.5(DDOST):c.839G>A (p.Arg280His)

Gene: DDOST (dolichyl-diphosphooligosaccharide--protein glycosyltransferase non-catalytic subunit; minus strand). Cytogenetic location: 1p36.12.
Variant type: single nucleotide variant.
Coding change: c.839G>A on transcript NM_005216.5 (MANE Select); coding-DNA position 839, G replaced by A.
Protein change: p.Arg280His; replaces arginine 280 with histidine.
Molecular consequence: missense variant.
Genome position (GRCh38, 1-based): chr1:20,653,730, C>T on the plus strand (G>A on the coding strand, the complement: DDOST is on the minus strand). VCF-style: chr1-20653730-C-T. GRCh37 (hg19) VCF-style: chr1-20980223-C-T.
Other names: c.890G>A (NM_005216.4); short protein forms R280H.
Identifiers: ClinVar variation 2410680 (VCV002410680.9), dbSNP rs754561384, ClinGen allele CA661108.
Genomic context (GRCh38, chr1:20,653,730, plus strand): 5'-CCCACCCGATGATGGGACACAGGCCCCACACGGAGGACACCCTCCTCCTTGAACACCCAG[C>T]GGGAGAGGGCCACAGCTAGTTCATAGTTGCCTGTCTGGGAATACCTGCAGGAGGGAAACA-3'
Protein context (NP_005207.3, residues 270-290): GNYELAVALS[Arg280His]WVFKEEGVLR